The following is an entry in ClinVar:

NM_014611.3(MDN1):c.16031+7C>T

Genes: MDN1 (midasin AAA ATPase 1; minus strand), MDN1-AS1 (MDN1 antisense RNA 1; plus strand). Cytogenetic location: 6q15.
Variant type: single nucleotide variant.
Coding change: c.16031+7C>T on transcript NM_014611.3 (MANE Select); 7 bases into the intron after coding-DNA position 16031, C replaced by T.
Molecular consequence: intron variant.
Genome position (GRCh38, 1-based): chr6:89,650,725, G>A on the plus strand (C>T on the coding strand, the complement: MDN1 is on the minus strand). VCF-style: chr6-89650725-G-A. GRCh37 (hg19) VCF-style: chr6-90360444-G-A.
Identifiers: ClinVar variation 3034416 (VCV003034416.2), dbSNP rs368019786, ClinGen allele CA3922078.
Genomic context (GRCh38, chr6:89,650,725, plus strand): 5'-TCAACAGAATCAATGAAGCTGCCGTCTTCTCAGGGCACTGTGAGGCCTTCCAGAGGGGAA[G>A]ACTTACTTCAGCTTGGCTGCCTGGGTAGGCTCTAATATGAGACGAAGCTCTTCACATAAC-3'

ClinVar aggregate classification (germline): Likely benign (0 of 4 stars; one submission).

Conditions:
MDN1-related disorder. Also called: MDN1-related condition.

Allele frequency attached by ClinVar (database versions not stated): ExAC 0.00005; TOPMed 0.00006; gnomAD 0.00007; ESP Exome Variant Server 0.00015; gnomAD exomes 0.00015.
gnomAD v4.1: 232 of 1,610,908 alleles (0.014%); highest among the groups gnomAD compares: Non-Finnish European, 0.019%; no homozygotes.

Submission:

PreventionGenetics, part of Exact Sciences
Classification: Likely benign for MDN1-related condition. Last evaluated: 2019-06-11. Review status: no assertion criteria provided. Collection method: clinical testing. Allele origin: germline.
Comment: This variant is classified as likely benign based on ACMG/AMP sequence variant interpretation guidelines (Richards et al. 2015 PMID: 25741868, with internal and published modifications).